The following is an entry in ClinVar:

ClinVar aggregate classification (germline): Uncertain significance (1 of 4 stars; one submission).

Conditions:
Hereditary cancer-predisposing syndrome. Also called: Neoplastic Syndromes, Hereditary; Tumor predisposition; Hereditary Cancer Syndrome; Hereditary neoplastic syndrome. Identifiers: Orphanet 140162, MedGen C0027672, MeSH D009386, MONDO:0015356.

Submission:

Ambry Genetics
Classification: Uncertain significance for Hereditary cancer-predisposing syndrome. Last evaluated: 2020-01-17. Review status: criteria provided, single submitter. Criteria: Ambry Variant Classification Scheme 2023. Collection method: clinical testing. Allele origin: germline.
Comment: The c.-1G>A variant is located in the 5' untranslated region (5&rsquo; UTR) of the RET gene. This variant results from a G to A substitution 1 bases upstream from the first translated codon. This nucleotide position is highly conserved in available vertebrate species. Since supporting evidence is limited at this time, the clinical significance of this alteration remains unclear.

NM_020975.6(RET):c.-1G>A

Genes: RET (ret proto-oncogene; plus strand), LOC106736614 (RET 5' regulatory region; plus strand). Cytogenetic location: 10q11.21.
Variant type: single nucleotide variant.
Coding change: c.-1G>A on transcript NM_020975.6 (MANE Select); 1 bases upstream of the start codon, G replaced by A.
Molecular consequence: 5 prime UTR variant.
Genome position (GRCh38, 1-based): chr10:43,077,258, G>A. VCF-style: chr10-43077258-G-A. GRCh37 (hg19) VCF-style: chr10-43572706-G-A.
Other names: c.-1G>A (NM_000323.2, NM_001406743.1, NM_001406744.1 and 38 more transcripts).
Identifiers: ClinVar variation 1784210 (VCV001784210.2), dbSNP rs2132497108, ClinGen allele CA2580081457.